The following is an entry in ClinVar:

ClinVar aggregate classification (germline): Uncertain significance (0 of 4 stars; one submission).

Conditions:
POMC-related disorder. Also called: POMC-related condition; POMC-related disorders.

Allele frequency attached by ClinVar (database versions not stated): TOPMed below 0.00001; gnomAD 0.00001; gnomAD exomes 0.00001.
gnomAD v4.1: 14 of 1,553,750 alleles (0.0009%); highest among the groups gnomAD compares: East Asian, 0.019%; no homozygotes.

Submission:

PreventionGenetics, part of Exact Sciences
Classification: Uncertain significance for POMC-related condition. Last evaluated: 2024-07-24. Review status: no assertion criteria provided. Collection method: clinical testing. Allele origin: germline.
Comment: The POMC c.244T>G variant is predicted to result in the amino acid substitution p.Phe82Val. This variant was observed in a cohort of individuals with obesity, and in vitro functional studies showed this variant did not reduce protein function and could cause increased function (Supplemental Data Set 3, Shah et al. 2023. PubMed ID: 36864747). This variant is reported in 0.031% of alleles in individuals of East Asian descent in gnomAD. At this time, the clinical significance of this variant is uncertain due to the absence of conclusive functional and genetic evidence.

NM_000939.4(POMC):c.244T>G (p.Phe82Val)

Gene: POMC (proopiomelanocortin; minus strand). Cytogenetic location: 2p23.3.
Variant type: single nucleotide variant.
Coding change: c.244T>G on transcript NM_000939.4 (MANE Select); coding-DNA position 244, T replaced by G.
Protein change: p.Phe82Val; replaces phenylalanine 82 with valine.
Molecular consequence: missense variant.
Genome position (GRCh38, 1-based): chr2:25,161,641, A>C on the plus strand (T>G on the coding strand, the complement: POMC is on the minus strand). VCF-style: chr2-25161641-A-C. GRCh37 (hg19) VCF-style: chr2-25384510-A-C.
Other names: c.244T>G, p.Phe82Val (NM_001035256.3, NM_001319204.2, NM_001319205.2); short protein forms F82V.
Identifiers: ClinVar variation 2635945 (VCV002635945.2), dbSNP rs755926365, ClinGen allele CA1555349.